The following is an entry in ClinVar:

NM_012179.4(FBXO7):c.1048C>T (p.Arg350Cys)

Gene: FBXO7 (F-box protein 7; plus strand). Cytogenetic location: 22q12.3.
Variant type: single nucleotide variant.
Coding change: c.1048C>T on transcript NM_012179.4 (MANE Select); coding-DNA position 1048, C replaced by T.
Protein change: p.Arg350Cys; replaces arginine 350 with cysteine.
Molecular consequence: missense variant.
Genome position (GRCh38, 1-based): chr22:32,493,185, C>T. VCF-style: chr22-32493185-C-T. GRCh37 (hg19) VCF-style: chr22-32889172-C-T.
Other names: c.811C>T, p.Arg271Cys (NM_001033024.2); c.706C>T, p.Arg236Cys (NM_001257990.2); short protein forms R236C, R350C, R271C.
Identifiers: ClinVar variation 2040372 (VCV002040372.2), dbSNP rs780834791, ClinGen allele CA10201632.

ClinVar aggregate classification (germline): Uncertain significance (1 of 4 stars; one submission).

Conditions:
Parkinsonian-pyramidal syndrome. Also called: PARKINSON DISEASE 15, AUTOSOMAL RECESSIVE EARLY-ONSET; PARKINSON DISEASE 15, AUTOSOMAL RECESSIVE; PALLIDOPYRAMIDAL SYNDROME. Identifiers: Orphanet 171695, MedGen C1850100, MONDO:0009830, OMIM 260300.

Allele frequency attached by ClinVar (database versions not stated): gnomAD 0.00002; ExAC 0.00005; TOPMed 0.00005.
gnomAD v4.1: 43 of 1,614,024 alleles (0.0027%); highest among the groups gnomAD compares: Middle Eastern, 0.016%; no homozygotes.

Submission:

Labcorp Genetics (formerly Invitae), Labcorp
Classification: Uncertain significance for Parkinsonian-pyramidal syndrome. Last evaluated: 2025-05-05. Review status: criteria provided, single submitter. Criteria: Invitae Variant Classification Sherloc (09022015). Collection method: clinical testing. Allele origin: germline.
Comment: This sequence change replaces arginine, which is basic and polar, with cysteine, which is neutral and slightly polar, at codon 350 of the FBXO7 protein (p.Arg350Cys). This variant is present in population databases (rs780834791, gnomAD 0.02%). This variant has not been reported in the literature in individuals affected with FBXO7-related conditions. ClinVar contains an entry for this variant (Variation ID: 2040372). Invitae Evidence Modeling of protein sequence and biophysical properties (such as structural, functional, and spatial information, amino acid conservation, physicochemical variation, residue mobility, and thermodynamic stability) indicates that this missense variant is not expected to disrupt FBXO7 protein function with a negative predictive value of 80%. In summary, the available evidence is currently insufficient to determine the role of this variant in disease. Therefore, it has been classified as a Variant of Uncertain Significance.